The following is an entry in ClinVar:

NM_001130053.5(EEF1D):c.1215+1G>C

Gene: EEF1D (eukaryotic translation elongation factor 1 delta; minus strand). Cytogenetic location: 8q24.3.
Variant type: single nucleotide variant.
Coding change: c.1215+1G>C on transcript NM_001130053.5 (MANE Select); the canonical splice donor site of the intron after coding-DNA position 1215, G replaced by C.
Molecular consequence: splice donor variant.
Genome position (GRCh38, 1-based): chr8:143,586,728, C>G on the plus strand (G>C on the coding strand, the complement: EEF1D is on the minus strand). VCF-style: chr8-143586728-C-G. GRCh37 (hg19) VCF-style: chr8-144668898-C-G.
Other names: c.117+1G>C (NM_001317743.4, NM_001289950.4, NM_001130056.5 and 5 more transcripts); c.1215+1G>C (NM_032378.7).
Identifiers: ClinVar variation 4884477 (VCV004884477.1).

ClinVar aggregate classification (germline): Likely pathogenic (1 of 4 stars; one submission).

Conditions:
Neurodevelopmental disorder with thin corpus callosum, hypotonia, and absent language. Identifiers: MedGen C6012708, MONDO:0976263, OMIM 621150.

Submission:

Diagnostics Services (NGS), CSIR - Centre For Cellular And Molecular Biology
Classification: Likely pathogenic for Neurodevelopmental disorder with thin corpus callosum, hypotonia, and absent language. Last evaluated: 2026-07-10. Review status: criteria provided, single submitter. Criteria: ACMG Guidelines, 2015. Collection method: clinical testing. Allele origin: germline. Affected: no. Observed: 2 variant alleles, 2 heterozygotes.
Comment: The c.1215+1G>C variant is not present in publicly available population databases like 1000 Genomes, EVS, gnomAD, Indian Exome Database or our internal database. This variant has neither been published in literature in individuals affected with EEF1D-related conditions nor reported to the clinical databases like Human Genome Mutation Database (HGMD), ClinVar or OMIM, in any affected individuals. Algorithms developed to predict the effect of sequence changes on RNA splicing suggest that this variant can disrupt the consensus splice site. In-silico pathogenicity prediction programs like HSF-Pro, MutationTaster2021, CADD, Varsome, Franklin etc predicted the variant to be likely deleterious, however these predictions were not confirmed by published functional/translational studies. This variant was identified in a couple as a part carrier screening.